The following is an entry in ClinVar:

NM_001369369.1(FOXN1):c.699+1G>T

Gene: FOXN1 (forkhead box N1; plus strand). Cytogenetic location: 17q11.2.
Variant type: single nucleotide variant.
Coding change: c.699+1G>T on transcript NM_001369369.1 (MANE Select); the canonical splice donor site of the intron after coding-DNA position 699, G replaced by T.
Molecular consequence: splice donor variant.
Genome position (GRCh38, 1-based): chr17:28,527,362, G>T. VCF-style: chr17-28527362-G-T. GRCh37 (hg19) VCF-style: chr17-26854380-G-T.
Other names: c.699+1G>T (NM_003593.3).
Identifiers: ClinVar variation 536427 (VCV000536427.9), dbSNP rs1555609768, ClinGen allele CA398322535.

ClinVar aggregate classification (germline): Uncertain significance. Review status: reviewed by expert panel (3 of 4 stars). 2 submissions from 2 submitters: Uncertain significance (1). 1 of the submissions does not count toward it. Last evaluated 2024-07-29.

Conditions:
T-cell immunodeficiency, congenital alopecia, and nail dystrophy. Also called: Congenital alopecia and nail dystrophy associated with severe functional T-cell immunodeficiency; Pignata Guarino syndrome. Identifiers: Orphanet 169095, MedGen C1866426, MONDO:0011132, OMIM 601705.

Submissions (2):

ClinGen Severe Combined Immunodeficiency Variant Curation Expert Panel, ClinGen
Classification: Uncertain significance for T-cell immunodeficiency, congenital alopecia, and nail dystrophy. Last evaluated: 2024-07-29. Review status: reviewed by expert panel. Criteria: ClinGen SCID ACMG Specifications FOXN1 V1.0.0. Collection method: curation. Allele origin: germline. Inheritance: Semidominant inheritance.
Comment: The NM_001369369.1(FOXN1):c.699+1G>T intron 4 donor splice site variant is predicted to result in skipping of exon 4 causing an in frame deletion of Gly197 to Gln233, accounting for 5.7% of the protein (PVS1_Moderate). This variant is absent from gnomADv2.1.1 (PM2_supporting). There is one entry for this variant in ClinVar (SCV000766592.5) but it has not been reported in the literature in individuals with FOXN1-related disease. In summary this variant meets criteria to be classified as uncertain significance for semidominant T-cell immunodeficiency, congenital alopecia, and nail dystrophy due to FOXN1 deficiency based on the ACMG/AMP criteria applied: PVS1_Moderate and PM2_Supporting as specified by the ClinGen SCID VCEP FOXN1 subgroup.

Labcorp Genetics (formerly Invitae), Labcorp
Classification: Likely pathogenic for T-cell immunodeficiency, congenital alopecia, and nail dystrophy. Last evaluated: 2019-11-29. Review status: criteria provided, single submitter. Criteria: Invitae Variant Classification Sherloc (09022015). Collection method: clinical testing. Allele origin: germline. Not counted in ClinVar's aggregate classification.
Comment: In summary, the currently available evidence indicates that the variant is pathogenic, but additional data are needed to prove that conclusively. Therefore, this variant has been classified as Likely Pathogenic. Donor and acceptor splice site variants typically lead to a loss of protein function (PMID: 16199547), and loss-of-function variants in FOXN1 are known to be pathogenic (PMID: 10206641, 15180707). This variant has not been reported in the literature in individuals with FOXN1-related disease. This variant is not present in population databases (ExAC no frequency). This sequence change affects a donor splice site in intron 3 of the FOXN1 gene. It is expected to disrupt RNA splicing and likely results in an absent or disrupted protein product.

Literature cited by the submitters: PubMed 16199547 (cited by Labcorp Genetics (formerly Invitae), Labcorp); PubMed 10206641 (cited by Labcorp Genetics (formerly Invitae), Labcorp); PubMed 15180707 (cited by Labcorp Genetics (formerly Invitae), Labcorp).